The following is an entry in ClinVar:

ClinVar aggregate classification (germline): Likely benign (1 of 4 stars; one submission).

Allele frequency attached by ClinVar (database versions not stated): 1000 Genomes Project 30x 0.00078; 1000 Genomes Project 0.00100; TOPMed 0.00114; ESP Exome Variant Server 0.00119; gnomAD 0.00167; gnomAD exomes 0.00172; ExAC 0.00362.
gnomAD v4.1: 2,713 of 1,574,306 alleles (0.17%); highest among the groups gnomAD compares: Middle Eastern, 0.53%; 8 homozygotes.

Submission:

CeGaT Center for Human Genetics Tuebingen
Classification: Likely benign. Last evaluated: 2022-11-01. Review status: criteria provided, single submitter. Criteria: CeGaT Center For Human Genetics Tuebingen Variant Classification Criteria Version 2. Collection method: clinical testing. Allele origin: germline. Affected: yes. Observed: 1 variant allele.
Comment: PLCD4: BP4, BS2

NM_032726.4(PLCD4):c.410+6G>A

Gene: PLCD4 (phospholipase C delta 4; plus strand). Cytogenetic location: 2q35.
Variant type: single nucleotide variant.
Coding change: c.410+6G>A on transcript NM_032726.4 (MANE Select); 6 bases into the intron after coding-DNA position 410, G replaced by A.
Molecular consequence: intron variant.
Genome position (GRCh38, 1-based): chr2:218,618,813, G>A. VCF-style: chr2-218618813-G-A. GRCh37 (hg19) VCF-style: chr2-219483536-G-A.
Identifiers: ClinVar variation 2651882 (VCV002651882.24), dbSNP rs140194396, ClinGen allele CA2107931.